The following is an entry in ClinVar:

ClinVar aggregate classification (germline): Likely pathogenic. Review status: criteria provided, multiple submitters, no conflicts (2 of 4 stars). 2 submissions from 2 submitters: Likely pathogenic (2). Last evaluated 2024-09-26.

Conditions:
Anauxetic dysplasia. Identifiers: Orphanet 93347, MedGen C1846796, MONDO:0011773.
Metaphyseal chondrodysplasia, McKusick type (CHH). Also called: Cartilage-hair hypoplasia; Cartilage-Hair Hypoplasia (CHH). Identifiers: Orphanet 175, MedGen C0220748, MONDO:0009595, OMIM 250250.

Submissions (2):

Women's Health and Genetics/Laboratory Corporation of America, LabCorp
Classification: Likely pathogenic for Metaphyseal chondrodysplasia, McKusick type. Last evaluated: 2024-09-26. Review status: criteria provided, single submitter. Criteria: LabCorp Variant Classification Summary - May 2015. Collection method: clinical testing. Allele origin: germline.
Comment: Variant summary: RMRP n.-21_-7dup15 is located in the untranscribed region upstream of the RMRP gene region, and involves the duplication of 15 nucleotides in the promoter region of RMRP, which is located between the TATA box (-33 to -25) and the transcription initiation site. Other insertions or duplications in the promoter region of RMRP have been classified as pathogenic (internally and in ClinVar). The variant was absent in 127922 control chromosomes (gnomAD). To our knowledge, no occurrence of n.-21_-7dup15 in individuals affected with Cartilage-Hair Hypoplasia and no experimental evidence demonstrating its impact on RNA function have been reported. However, many other insertions or duplications in the promoter region of RMRP have been reported in affected individuals in the literature (e.g. PMIDs: 21956908, 21396580) and have been demonstrated through functional studies to lead to reduced RMRP transcription (e.g. PMIDs: 11207361, 16254002, 17937437). ClinVar contains an entry for this variant (Variation ID: 1065142). Based on the evidence outlined above, the variant was classified as likely pathogenic.

Labcorp Genetics (formerly Invitae), Labcorp
Classification: Likely pathogenic for Anauxetic dysplasia. Last evaluated: 2020-09-25. Review status: criteria provided, single submitter. Criteria: Invitae Variant Classification Sherloc (09022015). Collection method: clinical testing. Allele origin: germline.
Comment: This variant occurs in the RMRP gene, which encodes an RNA molecule that does not result in a protein product. The frequency data for this variant in the population databases is considered unreliable, as metrics indicate insufficient coverage at this position in the ExAC database. While this particular variant has not been reported in the literature, it is located in the promoter region between the TATA box and the transcription initiation site, and other insertions and duplications immediately upstream of the coding sequence have been reported in individuals affected with cartilage-hair hypoplasia-anauxetic dysplasia (CHH-AD) spectrum disorders (PMID: 16244706, 11207361, 12107819). While functional studies for this variant have not been reported, experimental analyses using patient derived cells, as well as in vitro transfection studies, have shown that promoter insertions result in silencing of RMRP transcription and reduced expression of the gene product (PMID: 11207361, 16254002). In summary, the currently available evidence indicates that the variant is pathogenic, but additional data are needed to prove that conclusively. Therefore, this variant has been classified as Likely Pathogenic.

Literature cited by the submitters: PubMed 16244706 (cited by Labcorp Genetics (formerly Invitae), Labcorp); PubMed 11207361 (cited by Labcorp Genetics (formerly Invitae), Labcorp); PubMed 12107819 (cited by Labcorp Genetics (formerly Invitae), Labcorp); PubMed 16254002 (cited by Labcorp Genetics (formerly Invitae), Labcorp).

NC_000009.12:g.35658025_35658039dup

Gene: RMRP (RNA component of mitochondrial RNA processing endoribonuclease; minus strand). Cytogenetic location: 9p13.3.
Variant type: Duplication.
Genome position: GRCh38 VCF-style: chr9-35658024-C-CTCAGCTTCACAGAGT. GRCh37 (hg19) VCF-style: chr9-35658021-C-CTCAGCTTCACAGAGT.
Identifiers: ClinVar variation 1065142 (VCV001065142.11), dbSNP rs1823639713, ClinGen allele CA2499219893.